The following is an entry in ClinVar:

ClinVar aggregate classification (germline): Pathogenic. Review status: criteria provided, multiple submitters, no conflicts (2 of 4 stars). 2 submissions from 2 submitters: Pathogenic (2). Last evaluated 2024-02-08.

Conditions:
Duchenne muscular dystrophy (DMD). Also called: Duchenne Muscular Dystrophy (DMD); MUSCULAR DYSTROPHY, PSEUDOHYPERTROPHIC PROGRESSIVE, DUCHENNE TYPE. Identifiers: Orphanet 98896, MedGen C0013264, MONDO:0010679, OMIM 310200.

Submissions (2):

Labcorp Genetics (formerly Invitae), Labcorp
Classification: Pathogenic for Duchenne muscular dystrophy. Last evaluated: 2024-02-08. Review status: criteria provided, single submitter. Criteria: Invitae Variant Classification Sherloc (09022015). Collection method: clinical testing. Allele origin: germline.
Comment: This sequence change affects a donor splice site in intron 24 of the DMD gene. It is expected to disrupt RNA splicing. Variants that disrupt the donor or acceptor splice site typically lead to a loss of protein function (PMID: 16199547), and loss-of-function variants in DMD are known to be pathogenic (PMID: 16770791, 25007885). This variant is not present in population databases (gnomAD no frequency). Disruption of this splice site has been observed in individuals with clinical features of Duchenne muscular dystrophy (PMID: 10612827, 27363342, 33644936). ClinVar contains an entry for this variant (Variation ID: 94583). Algorithms developed to predict the effect of sequence changes on RNA splicing suggest that this variant may disrupt the consensus splice site. For these reasons, this variant has been classified as Pathogenic.

Eurofins Ntd Llc (ga)
Classification: Pathogenic. Last evaluated: 2013-10-13. Review status: criteria provided, single submitter. Criteria: EGL Classification Definitions 2015. Collection method: clinical testing. Allele origin: germline. Observed: 1 variant allele, 1 hemizygote.

Literature cited by the submitters: PubMed 16199547 (cited by Labcorp Genetics (formerly Invitae), Labcorp); PubMed 16770791 (cited by Labcorp Genetics (formerly Invitae), Labcorp); PubMed 25007885 (cited by Labcorp Genetics (formerly Invitae), Labcorp); PubMed 10612827 (cited by Labcorp Genetics (formerly Invitae), Labcorp); PubMed 27363342 (cited by Labcorp Genetics (formerly Invitae), Labcorp); PubMed 33644936 (cited by Labcorp Genetics (formerly Invitae), Labcorp).

NM_004006.3(DMD):c.3276+1G>A

Gene: DMD (dystrophin; minus strand). Cytogenetic location: Xp21.1.
Variant type: single nucleotide variant.
Coding change: c.3276+1G>A on transcript NM_004006.3 (MANE Select); the canonical splice donor site of the intron after coding-DNA position 3276, G replaced by A.
Molecular consequence: splice donor variant.
Genome position (GRCh38, 1-based): chrX:32,464,585, C>T on the plus strand (G>A on the coding strand, the complement: DMD is on the minus strand). VCF-style: chrX-32464585-C-T. GRCh37 (hg19) VCF-style: chrX-32482702-C-T.
Other names: c.3252+1G>A (NM_000109.4); c.3264+1G>A (NM_004009.3); c.2907+1G>A (NM_004010.3).
Identifiers: ClinVar variation 94583 (VCV000094583.14), dbSNP rs398123934, ClinGen allele CA266993.